The following is an entry in ClinVar:

ClinVar aggregate classification (germline): Uncertain significance. Review status: criteria provided, multiple submitters, no conflicts (2 of 4 stars). 3 submissions from 3 submitters: Uncertain significance (2). 1 of the submissions does not count toward it. Last evaluated 2024-04-16.

Conditions:
Autosomal recessive polycystic kidney disease (ARPKD). Also called: AR polycystic kidney disease. Identifiers: Orphanet 731, Orphanet 8378, MedGen C0085548, MeSH D017044, MONDO:0009889.
Polycystic kidney disease 4 (PKD4). Also called: POLYCYSTIC KIDNEY AND HEPATIC DISEASE 1; POLYCYSTIC KIDNEY DISEASE, INFANTILE, TYPE I; POLYCYSTIC KIDNEY DISEASE 4 WITH OR WITHOUT POLYCYSTIC LIVER DISEASE; Autosomal Recessive Polycystic Kidney Disease – PKHD1; PKD3. Identifiers: MedGen C4540575, MONDO:0033004, OMIM 263200.

Allele frequency attached by ClinVar (database versions not stated): gnomAD exomes below 0.00001 and 0.00001; TOPMed below 0.00001.
gnomAD v4.1: 19 of 1,613,872 alleles (0.0012%); highest among the groups gnomAD compares: African/African-American, 0.015%; no homozygotes.

Submissions (3):

Fulgent Genetics
Classification: Uncertain significance for Polycystic kidney disease 4. Last evaluated: 2024-04-16. Review status: criteria provided, single submitter. Criteria: ACMG Guidelines, 2015. Collection method: clinical testing. Allele origin: germline.

Labcorp Genetics (formerly Invitae), Labcorp
Classification: Uncertain significance for Autosomal recessive polycystic kidney disease. Last evaluated: 2021-08-28. Review status: criteria provided, single submitter. Criteria: Invitae Variant Classification Sherloc (09022015). Collection method: clinical testing. Allele origin: germline.
Comment: This sequence change replaces serine with asparagine at codon 1485 of the PKHD1 protein (p.Ser1485Asn). The serine residue is weakly conserved and there is a small physicochemical difference between serine and asparagine. This variant is not present in population databases (ExAC no frequency). This variant has not been reported in the literature in individuals affected with PKHD1-related conditions. ClinVar contains an entry for this variant (Variation ID: 800787). Advanced modeling of protein sequence and biophysical properties (such as structural, functional, and spatial information, amino acid conservation, physicochemical variation, residue mobility, and thermodynamic stability) performed at Invitae indicates that this missense variant is not expected to disrupt PKHD1 protein function. In summary, the available evidence is currently insufficient to determine the role of this variant in disease. Therefore, it has been classified as a Variant of Uncertain Significance.

Biochemical Molecular Genetic Laboratory, King Abdulaziz Medical City
Classification: Uncertain significance for Polycystic kidney disease 4. Last evaluated: 2019-01-29. Review status: no assertion criteria provided. Collection method: clinical testing. Allele origin: germline. Affected: yes. Not counted in ClinVar's aggregate classification.

NM_138694.4(PKHD1):c.4454G>A (p.Ser1485Asn)

Gene: PKHD1 (PKHD1 ciliary IPT domain containing fibrocystin/polyductin; minus strand). Cytogenetic location: 6p12.2.
Variant type: single nucleotide variant.
Coding change: c.4454G>A on transcript NM_138694.4 (MANE Select); coding-DNA position 4454, G replaced by A.
Protein change: p.Ser1485Asn; replaces serine 1485 with asparagine.
Molecular consequence: missense variant.
Genome position (GRCh38, 1-based): chr6:52,025,356, C>T on the plus strand (G>A on the coding strand, the complement: PKHD1 is on the minus strand). VCF-style: chr6-52025356-C-T. GRCh37 (hg19) VCF-style: chr6-51890154-C-T.
Other names: c.4454G>A, p.Ser1485Asn (NM_170724.3); short protein forms S1485N.
Identifiers: ClinVar variation 800787 (VCV000800787.8), dbSNP rs370608473, ClinGen allele CA138946833.
Genomic context (GRCh38, chr6:52,025,356, plus strand): 5'-CTAATCAGCACAGTGGTCAGAGACCCACTGGTGTTTGTGGACAAGGCATCCATGACAGGA[C>T]TTGCCTCTTCCCTTATGAAAAGAGTGCAATTCCCCTGACACTCGCTGGTTAGCCCATTGA-3'
Protein context (NP_619639.3, residues 1475-1495): NCTLFIREEA[Ser1485Asn]PVMDALSTNT